The following is an entry in ClinVar:

NM_001042492.3(NF1):c.926G>C (p.Gly309Ala)

Gene: NF1 (neurofibromin 1; plus strand). Cytogenetic location: 17q11.2.
Variant type: single nucleotide variant.
Coding change: c.926G>C on transcript NM_001042492.3 (MANE Select); coding-DNA position 926, G replaced by C.
Protein change: p.Gly309Ala; replaces glycine 309 with alanine.
Molecular consequence: missense variant.
Genome position (GRCh38, 1-based): chr17:31,200,459, G>C. VCF-style: chr17-31200459-G-C. GRCh37 (hg19) VCF-style: chr17-29527477-G-C.
Other names: c.926G>C, p.Gly309Ala (NM_000267.4, NM_001128147.3); short protein forms G309A.
Identifiers: ClinVar variation 5020314 (VCV005020314.1).

ClinVar aggregate classification (germline): Uncertain significance (1 of 4 stars; one submission).

Submission:

Dasa
Classification: Uncertain significance. Last evaluated: 2026-06-24. Review status: criteria provided, single submitter. Criteria: DASA Assertion Criteria. Collection method: clinical testing. Allele origin: germline.
Comment: NM_001042492.3(NF1):c.926G>C (p.Gly309Ala) is a missense variant that results in the substitution of glycine with alanine. This variant is rare in population databases. The currently available literature and clinical evidence are not sufficient to establish a definitive association between this variant and the reported condition. Therefore, this variant is classified as a variant of uncertain significance.